The following is an entry in ClinVar:

NM_002691.4(POLD1):c.2475C>A (p.Asp825Glu)

Gene: POLD1 (DNA polymerase delta 1, catalytic subunit; plus strand). Cytogenetic location: 19q13.33.
Variant type: single nucleotide variant.
Coding change: c.2475C>A on transcript NM_002691.4 (MANE Select); coding-DNA position 2475, C replaced by A.
Protein change: p.Asp825Glu; replaces aspartic acid 825 with glutamic acid.
Molecular consequence: missense variant. On other transcripts: non-coding transcript variant (1).
Genome position (GRCh38, 1-based): chr19:50,414,901, C>A. VCF-style: chr19-50414901-C-A. GRCh37 (hg19) VCF-style: chr19-50918158-C-A.
Other names: c.2475C>A, p.Asp825Glu (NM_001256849.1); c.2553C>A, p.Asp851Glu (NM_001308632.1); short protein forms D851E, D825E.
Identifiers: ClinVar variation 2895128 (VCV002895128.3), dbSNP rs973646375, ClinGen allele CA406985072.

ClinVar aggregate classification (germline): Uncertain significance (1 of 4 stars; one submission).

Conditions:
POLD1-related polyposis and colorectal cancer syndrome (CRCS10). Also called: Colorectal cancer 10; COLORECTAL CANCER, SUSCEPTIBILITY TO, ON CHROMOSOME 19q; Colorectal cancer, susceptibility to, 10. Identifiers: Orphanet 220460, MedGen C2675481, MONDO:0012953, OMIM 612591.

Submission:

Labcorp Genetics (formerly Invitae), Labcorp
Classification: Uncertain significance for POLD1-related polyposis and colorectal cancer syndrome. Last evaluated: 2023-07-16. Review status: criteria provided, single submitter. Criteria: Invitae Variant Classification Sherloc (09022015). Collection method: clinical testing. Allele origin: germline.
Comment: This variant has not been reported in the literature in individuals affected with POLD1-related conditions. In summary, the available evidence is currently insufficient to determine the role of this variant in disease. Therefore, it has been classified as a Variant of Uncertain Significance. Advanced modeling of protein sequence and biophysical properties (such as structural, functional, and spatial information, amino acid conservation, physicochemical variation, residue mobility, and thermodynamic stability) has been performed at Invitae for this missense variant, however the output from this modeling did not meet the statistical confidence thresholds required to predict the impact of this variant on POLD1 protein function. This variant is not present in population databases (gnomAD no frequency). This sequence change replaces aspartic acid, which is acidic and polar, with glutamic acid, which is acidic and polar, at codon 825 of the POLD1 protein (p.Asp825Glu).